The following is an entry in ClinVar:

ClinVar aggregate classification (germline): Benign (1 of 4 stars; one submission).

Submission:

Biesecker Lab/Clinical Genomics Section, National Institutes of Health
Classification: Benign. Last evaluated: 2013-06-24. Review status: criteria provided, single submitter. Criteria: Ng et al. (Circ Cardiovasc Genet. 2013). Collection method: research. Allele origin: unknown. Observed: 1 variant allele. Study: ClinSeq.
Comment: The study set was not selected for affection status in relation to any cancer. Pathogenicity categories were based on literature curation. See Pubmed ID:23861362 for details.

Medical sequencing

NM_001267550.2(TTN):c.79317C>T (p.Arg26439=)

Genes: TTN (titin; minus strand), TTN-AS1 (TTN antisense RNA 1; plus strand). Cytogenetic location: 2q31.2.
Variant type: single nucleotide variant.
Coding change: c.79317C>T on transcript NM_001267550.2 (MANE Select); coding-DNA position 79317, C replaced by T.
Protein change: p.Arg26439=; no amino-acid change (arginine 26439 retained).
Molecular consequence: synonymous variant.
Genome position (GRCh38, 1-based): chr2:178,566,815, G>A on the plus strand (C>T on the coding strand, the complement: TTN is on the minus strand). VCF-style: chr2-178566815-G-A. GRCh37 (hg19) VCF-style: chr2-179431542-G-A.
Other names: c.74394C>T, p.Arg24798= (NM_001256850.1); c.52122C>T, p.Arg17374= (NM_003319.4); c.71613C>T, p.Arg23871= (NM_133378.4); c.52497C>T, p.Arg17499= (NM_133432.3); c.52698C>T, p.Arg17566= (NM_133437.4).
Identifiers: ClinVar variation 192204 (VCV000192204.1), dbSNP rs770029880, ClinGen allele CA200076.
Genomic context (GRCh38, chr2:178,566,815, plus strand): 5'-GAATTCATACTCATGATCTTCTGTTAATCCTGTCACTCTTAGACGCAAATCTGTAATGCG[G>A]CGTTTATTACATTTTATCCATCGAATGCCACTTCTGTCTCTTTTCTCTACAATGTAACCA-3'
Protein context (NP_001254479.2, residues 26429-26449): SGIRWIKCNK[Arg26439=]RITDLRLRVT